The following is an entry in ClinVar:

Conditions:
Long QT syndrome 5 (LQT5). Identifiers: Orphanet 101016, Orphanet 768, MedGen C1867904, MONDO:0013372, OMIM 613695.

Submission:

Roden Lab, Vanderbilt University Medical Center
No classification provided (evidence only). Condition: Long QT syndrome 5. Review status: no classification provided. Collection method: in vitro. Allele origin: not applicable. Functional consequence: Effect on ion channel function.
ClinVar note: "not provided" was previously submitted as the classification for the variant. However, the classification appeared to be based only on an observation of functional data so it was converted to no classification on 2025-07-30.

NM_000219.6(KCNE1):c.312G>T (p.Arg104Ser)

Gene: KCNE1 (potassium voltage-gated channel subfamily E regulatory subunit 1; minus strand). Cytogenetic location: 21q22.12.
Variant type: single nucleotide variant.
Coding change: c.312G>T on transcript NM_000219.6 (MANE Select); coding-DNA position 312, G replaced by T.
Protein change: p.Arg104Ser; replaces arginine 104 with serine.
Molecular consequence: missense variant.
Genome position (GRCh38, 1-based): chr21:34,449,323, C>A on the plus strand (G>T on the coding strand, the complement: KCNE1 is on the minus strand). VCF-style: chr21-34449323-C-A. GRCh37 (hg19) VCF-style: chr21-35821621-C-A.
Other names: c.312G>T, p.Arg104Ser (NM_001127668.4, NM_001127669.4, NM_001127670.4 and 4 more transcripts); short protein forms R104S.
Identifiers: ClinVar variation 3374608 (VCV003374608.2).